The following is an entry in ClinVar:

ClinVar aggregate classification (germline): Uncertain significance (1 of 4 stars; one submission).

gnomAD v4.1: 1 of 1,610,680 alleles (0.000062%); highest among the groups gnomAD compares: Non-Finnish European, 0.000085%; no homozygotes.

Submission:

GeneDx
Classification: Uncertain significance. Last evaluated: 2024-04-29. Review status: criteria provided, single submitter. Criteria: GeneDx Variant Classification Process June 2021. Collection method: clinical testing. Allele origin: germline. Affected: yes.
Comment: Not observed at significant frequency in large population cohorts (gnomAD); In silico analysis indicates that this missense variant does not alter protein structure/function; Has not been previously published as pathogenic or benign to our knowledge

NM_012154.5(AGO2):c.1431C>G (p.Ile477Met)

Gene: AGO2 (argonaute RISC catalytic component 2; minus strand). Cytogenetic location: 8q24.3.
Variant type: single nucleotide variant.
Coding change: c.1431C>G on transcript NM_012154.5 (MANE Select); coding-DNA position 1431, C replaced by G.
Protein change: p.Ile477Met; replaces isoleucine 477 with methionine.
Molecular consequence: missense variant.
Genome position (GRCh38, 1-based): chr8:140,549,271, G>C on the plus strand (C>G on the coding strand, the complement: AGO2 is on the minus strand). VCF-style: chr8-140549271-G-C. GRCh37 (hg19) VCF-style: chr8-141559370-G-C.
Other names: c.1431C>G, p.Ile477Met (NM_001164623.3); short protein forms I477M.
Identifiers: ClinVar variation 3372901 (VCV003372901.1).